The following is an entry in ClinVar:

NM_177438.3(DICER1):c.2613C>T (p.Asp871=)

Gene: DICER1 (dicer 1, ribonuclease III; minus strand). Cytogenetic location: 14q32.13.
Variant type: single nucleotide variant.
Coding change: c.2613C>T on transcript NM_177438.3 (MANE Select); coding-DNA position 2613, C replaced by T.
Protein change: p.Asp871=; no amino-acid change (aspartic acid 871 retained).
Molecular consequence: synonymous variant.
Genome position (GRCh38, 1-based): chr14:95,107,917, G>A on the plus strand (C>T on the coding strand, the complement: DICER1 is on the minus strand). VCF-style: chr14-95107917-G-A. GRCh37 (hg19) VCF-style: chr14-95574254-G-A.
Other names: c.2613C>T, p.Asp871= (NM_001195573.1, NM_001271282.3, NM_001291628.2 and 1 more transcripts).
Identifiers: ClinVar variation 417102 (VCV000417102.30), dbSNP rs759827733, ClinGen allele CA7331218.

ClinVar aggregate classification (germline): Benign/Likely benign. Review status: criteria provided, multiple submitters, no conflicts (2 of 4 stars). 8 submissions from 8 submitters: Benign (1); Likely benign (6). 1 of the submissions does not count toward it. Last evaluated 2026-04-16.

Conditions:
DICER1-related disorder. Also called: DICER1-related condition.
DICER1-related tumor predisposition. Also called: DICER1 syndrome; DICER1-related pleuropulmonary blastoma cancer predisposition syndrome. Identifiers: Orphanet 284343, MedGen C3839822, MONDO:0100216.
Hereditary cancer-predisposing syndrome. Also called: Tumor predisposition; Hereditary neoplastic syndrome; Hereditary Cancer Syndrome; Neoplastic Syndromes, Hereditary. Identifiers: Orphanet 140162, MedGen C0027672, MeSH D009386, MONDO:0015356.
Pleuropulmonary blastoma (PPB). Identifiers: Orphanet 64742, MedGen C1266144, MONDO:0011014, OMIM 601200, HP:0100528.

Allele frequency attached by ClinVar (database versions not stated): TOPMed 0.00002.
gnomAD v4.1: 76 of 1,613,880 alleles (0.0047%); highest among the groups gnomAD compares: Non-Finnish European, 0.0055%; no homozygotes.

Submissions (8):

Myriad Genetics, Inc.
Classification: Benign for DICER1-related tumor predisposition. Last evaluated: 2026-04-16. Review status: criteria provided, single submitter. Criteria: Myriad Autosomal Dominant, Autosomal Recessive and X-Linked Classification Criteria (2023). Collection method: clinical testing. Allele origin: unknown.
Comment: This variant is considered benign. This variant is a silent/synonymous amino acid change and it is not expected to impact splicing.

Labcorp Genetics (formerly Invitae), Labcorp
Classification: Likely benign for DICER1-related tumor predisposition. Last evaluated: 2026-01-19. Review status: criteria provided, single submitter. Criteria: Invitae Variant Classification Sherloc (09022015). Collection method: clinical testing. Allele origin: germline.

CeGaT Center for Human Genetics Tuebingen
Classification: Likely benign. Last evaluated: 2025-11-01. Review status: criteria provided, single submitter. Criteria: CeGaT Center For Human Genetics Tuebingen Variant Classification Criteria Version 2. Collection method: clinical testing. Allele origin: germline. Affected: yes. Observed: 1 variant allele.
Comment: DICER1: BP4, BP7

Center for Genomic Medicine, Rigshospitalet, Copenhagen University Hospital
Classification: Likely benign. Last evaluated: 2025-03-04. Review status: criteria provided, single submitter. Criteria: ACMG Guidelines, 2015. Collection method: clinical testing. Allele origin: germline.

Hereditary Cancer Group, L’Institut d'Investigació Biomèdica de Bellvitge
Classification: Likely benign for Hereditary cancer-predisposing syndrome. Last evaluated: 2024-12-19. Review status: criteria provided, single submitter. Criteria: Hatton et al. (Hum Mutat. 2023). Collection method: clinical testing. Allele origin: germline. Inheritance: Autosomal dominant inheritance. Affected: yes.
Comment: BP4, BP7

KCCC/NGS Laboratory, Kuwait Cancer Control Center
Classification: Likely benign for Pleuropulmonary blastoma. Last evaluated: 2023-07-07. Review status: criteria provided, single submitter. Criteria: ACMG Guidelines, 2015. Collection method: clinical testing. Allele origin: germline. Affected: yes.

Ambry Genetics
Classification: Likely benign for Hereditary cancer-predisposing syndrome. Last evaluated: 2017-07-24. Review status: criteria provided, single submitter. Criteria: Ambry Variant Classification Scheme 2023. Collection method: clinical testing. Allele origin: germline.

PreventionGenetics, part of Exact Sciences
Classification: Likely benign for DICER1-related condition. Last evaluated: 2023-07-28. Review status: no assertion criteria provided. Collection method: clinical testing. Allele origin: germline. Not counted in ClinVar's aggregate classification.
Comment: This variant is classified as likely benign based on ACMG/AMP sequence variant interpretation guidelines (Richards et al. 2015 PMID: 25741868, with internal and published modifications).